The following is an entry in ClinVar:

NM_000343.4(SLC5A1):c.1613_1614insTTTTTTTTTTTTTTTTTTTTNNNNNNNNNNGTCTCGATCTCCTGACCTCGTGATCCGCCCGCCTCGGCCTCCCAAAGTGCTGGGATTACAGGCGTGAGCCACCGCCATTTCTTT (p.Phe538_Ile539insPhePhePhePhePhePheXaaXaaXaaXaaSerArgSerProAspLeuValIleArgProProArgProProLysValLeuGlyLeuGlnAlaTer)

Gene: SLC5A1 (solute carrier family 5 member 1; plus strand). Cytogenetic location: 22q12.3.
Variant type: Insertion.
Coding change: c.1613_1614insTTTTTTTTTTTTTTTTTTTTNNNNNNNNNNGTCTCGATCTCCTGACCTCGTGATCCGCCCGCCTCGGCCTCCCAAAGTGCTGGGATTACAGGCGTGAGCCACCGCCATTTCTTT on transcript NM_000343.4 (MANE Select); coding-DNA positions 1613 to 1614, TTTTTTTTTTTTTTTTTTTTNNNNNNNNNNGTCTCGATCTCCTGACCTCGTGATCCGCCCGCCTCGGCCTCCCAAAGTGCTGGGATTACAGGCGTGAGCCACCGCCATTTCTTT inserted.
Protein change: p.Phe538_Ile539insPhePhePhePhePhePheXaaXaaXaaXaaSerArgSerProAspLeuValIleArgProProArgProProLysValLeuGlyLeuGlnAlaTer.
Molecular consequence: nonsense, inframe insertion.
Genome position: GRCh38: chr22:32,102,185-32,102,186. GRCh37 (hg19): chr22:32,498,172-32,498,173.
Other names: c.1232_1233insTTTTTTTTTTTTTTTTTTTTNNNNNNNNNNGTCTCGATCTCCTGACCTCGTGATCCGCCCGCCTCGGCCTCCCAAAGTGCTGGGATTACAGGCGTGAGCCACCGCCATTTCTTT, p.Phe411_Ile412insPhePhePhePhePhePheXaaXaaXaaXaaSerArgSerProAspLeuValIleArgProProArgProProLysValLeuGlyLeuGlnAlaTer (NM_001256314.2).
Identifiers: ClinVar variation 4734011 (VCV004734011.1).

ClinVar aggregate classification (germline): Pathogenic (1 of 4 stars; one submission).

Conditions:
Congenital glucose-galactose malabsorption (GGM). Also called: MONOSACCHARIDE MALABSORPTION; DIARRHEA 16. Identifiers: Orphanet 35710, MedGen C0268186, MONDO:0011731, OMIM 606824.

Submission:

Labcorp Genetics (formerly Invitae), Labcorp
Classification: Pathogenic for Congenital glucose-galactose malabsorption. Last evaluated: 2025-12-23. Review status: criteria provided, single submitter. Criteria: Invitae Variant Classification Sherloc (09022015). Collection method: clinical testing. Allele origin: germline.
Comment: This sequence change inserts a large fragment of DNA, likely a transposable element, in exon 13 of the SLC5A1 gene (c.1613_1614ins?), causing a frameshift at codon 538 (p.Phe538fs). The exact size and sequence of the insertion cannot be determined by the current assay. However, the insertion is expected to result in an absent or disrupted protein product. This variant is not present in population databases (gnomAD no frequency). This variant has not been reported in the literature in individuals affected with SLC5A1-related conditions. Retrotransposon insertions including LINE1 (L1), Alu, and SVA (SINE-VNTR-Alu) have been reported to be disease-causing through disruption of either a coding region or splice site (PMID: 19763152, 20307669, 22406018) and loss-of-function variants in SLC5A1 are known to be pathogenic (PMID: 8563765). For these reasons, this variant has been classified as Pathogenic.

Literature cited by the submitters: PubMed 19763152; PubMed 20307669; PubMed 22406018; PubMed 8563765.